The following is an entry in ClinVar:

NM_004360.5(CDH1):c.1235T>C (p.Val412Ala)

Gene: CDH1 (cadherin 1; plus strand). Cytogenetic location: 16q22.1.
Variant type: single nucleotide variant.
Coding change: c.1235T>C on transcript NM_004360.5 (MANE Select); coding-DNA position 1235, T replaced by C.
Protein change: p.Val412Ala; replaces valine 412 with alanine.
Molecular consequence: missense variant. On other transcripts: 5 prime UTR variant (2), intron variant (1).
Genome position (GRCh38, 1-based): chr16:68,813,410, T>C. VCF-style: chr16-68813410-T-C. GRCh37 (hg19) VCF-style: chr16-68847313-T-C.
Other names: c.-381T>C (NM_001317185.2); c.-585T>C (NM_001317186.2); c.1137+1147T>C (NM_001317184.2); short protein forms V412A.
Identifiers: ClinVar variation 964255 (VCV000964255.11), dbSNP rs1960895805, ClinGen allele CA396461466.
Genomic context (GRCh38, chr16:68,813,410, plus strand): 5'-TAATCACCACACTGAAAGTGACTGATGCTGATGCCCCCAATACCCCAGCGTGGGAGGCTG[T>C]ATACACCATATTGAATGATGATGGTGGACAATTTGTCGTCACCACAAATCCAGTGAACAA-3'
Protein context (NP_004351.1, residues 402-422): DAPNTPAWEA[Val412Ala]YTILNDDGGQ

ClinVar aggregate classification (germline): Conflicting classifications of pathogenicity. Review status: criteria provided, conflicting classifications (1 of 4 stars). 2 submissions from 2 submitters: Uncertain significance (1); Likely benign (1). Last evaluated 2024-08-01.

Conditions:
Hereditary diffuse gastric adenocarcinoma (HDGC). Also called: DIFFUSE GASTRIC AND LOBULAR BREAST CANCER SYNDROME. Identifiers: Orphanet 26106, MedGen C1708349, MONDO:0007648, OMIM 137215.
Hereditary cancer-predisposing syndrome. Also called: Hereditary neoplastic syndrome; Hereditary Cancer Syndrome; Tumor predisposition; Neoplastic Syndromes, Hereditary. Identifiers: Orphanet 140162, MedGen C0027672, MeSH D009386, MONDO:0015356.

Submissions (2):

Labcorp Genetics (formerly Invitae), Labcorp
Classification: Uncertain significance for Hereditary diffuse gastric adenocarcinoma. Last evaluated: 2024-08-01. Review status: criteria provided, single submitter. Criteria: Invitae Variant Classification Sherloc (09022015). Collection method: clinical testing. Allele origin: germline.
Comment: This sequence change replaces valine, which is neutral and non-polar, with alanine, which is neutral and non-polar, at codon 412 of the CDH1 protein (p.Val412Ala). This variant is not present in population databases (gnomAD no frequency). This missense change has been observed in individual(s) with oral clefting (PMID: 27227907, 32260281). ClinVar contains an entry for this variant (Variation ID: 964255). An algorithm developed to predict the effect of missense changes on protein structure and function (PolyPhen-2) suggests that this variant is likely to be disruptive. In summary, the available evidence is currently insufficient to determine the role of this variant in disease. Therefore, it has been classified as a Variant of Uncertain Significance.

Ambry Genetics
Classification: Likely benign for Hereditary cancer-predisposing syndrome. Last evaluated: 2024-06-06. Review status: criteria provided, single submitter. Criteria: Ambry Variant Classification Scheme 2023. Collection method: clinical testing. Allele origin: germline.

Literature cited by the submitters: PubMed 27227907 (cited by Labcorp Genetics (formerly Invitae), Labcorp); PubMed 32260281 (cited by Labcorp Genetics (formerly Invitae), Labcorp).